The following is an entry in ClinVar:

ClinVar aggregate classification (germline): Uncertain significance (1 of 4 stars; one submission).

Conditions:
Cardiovascular phenotype. Identifiers: MedGen CN230736.
Hereditary cancer-predisposing syndrome. Also called: Hereditary Cancer Syndrome; Hereditary neoplastic syndrome; Neoplastic Syndromes, Hereditary; Tumor predisposition. Identifiers: Orphanet 140162, MedGen C0027672, MeSH D009386, MONDO:0015356.

Submission:

Ambry Genetics
Classification: Uncertain significance for Cardiovascular phenotype; Hereditary cancer-predisposing syndrome. Last evaluated: 2025-11-25. Review status: criteria provided, single submitter. Criteria: Ambry Variant Classification Scheme 2023. Collection method: clinical testing. Allele origin: germline.
Comment: The p.V497M variant (also known as c.1489G>A), located in coding exon 13 of the NF1 gene, results from a G to A substitution at nucleotide position 1489. The valine at codon 497 is replaced by methionine, an amino acid with highly similar properties. This amino acid position is highly conserved in available vertebrate species. In addition, the in silico prediction for this alteration is inconclusive. Based on the available evidence, the clinical significance of this variant remains unclear.

NM_001042492.3(NF1):c.1489G>A (p.Val497Met)

Gene: NF1 (neurofibromin 1; plus strand). Cytogenetic location: 17q11.2.
Variant type: single nucleotide variant.
Coding change: c.1489G>A on transcript NM_001042492.3 (MANE Select); coding-DNA position 1489, G replaced by A.
Protein change: p.Val497Met; replaces valine 497 with methionine.
Molecular consequence: missense variant.
Genome position (GRCh38, 1-based): chr17:31,214,547, G>A. VCF-style: chr17-31214547-G-A. GRCh37 (hg19) VCF-style: chr17-29541565-G-A.
Other names: c.1489G>A, p.Val497Met (NM_000267.4, NM_001128147.3); short protein forms V497M.
Identifiers: ClinVar variation 1773735 (VCV001773735.3), dbSNP rs2143960042, ClinGen allele CA399001623.
Genomic context (GRCh38, chr17:31,214,547, plus strand): 5'-TTTAAAGAAAAACCTACAGACCTGGAGACAAGAAGCTATAAGTATCTTCTCTTGTCCATG[G>A]TGAAACTAATTCATGCAGATCCAAAGCTCTTGCTTTGTGTAAGTATTTTTTTATGAAATG-3'
Protein context (NP_001035957.1, residues 487-507): RSYKYLLLSM[Val497Met]KLIHADPKLL